The following is an entry in ClinVar:

ClinVar aggregate classification (germline): Uncertain significance. Review status: criteria provided, multiple submitters, no conflicts (2 of 4 stars). 3 submissions from 3 submitters: Uncertain significance (3). Last evaluated 2023-11-20.

Conditions:
Xeroderma pigmentosum, group D (XPD). Also called: XERODERMA PIGMENTOSUM IV; XP, GROUP D; XP, GROUP H; XERODERMA PIGMENTOSUM, COMPLEMENTATION GROUP D; ERCC2-Related Xeroderma Pigmentosum. Identifiers: MedGen C0268138, MONDO:0010212, OMIM 278730.
Trichothiodystrophy 1, photosensitive (TTD1). Also called: TAY SYNDROME; TRICHOTHIODYSTROPHY WITH CONGENITAL ICHTHYOSIS; PIBIDS SYNDROME. Identifiers: Orphanet 33364, MedGen C1866504, MONDO:0011125, OMIM 601675.
Cerebrooculofacioskeletal syndrome 2 (COFS2). Identifiers: MedGen C1853102, MONDO:0012553, OMIM 610756.

Allele frequency attached by ClinVar (database versions not stated): TOPMed below 0.00001; ExAC 0.00001; gnomAD 0.00001; gnomAD exomes 0.00001.
gnomAD v4.1: 9 of 1,612,926 alleles (0.00056%); highest among the groups gnomAD compares: Middle Eastern, 0.066%; no homozygotes.

Submissions (3):

Revvity Omics, Revvity
Classification: Uncertain significance. Last evaluated: 2023-11-20. Review status: criteria provided, single submitter. Criteria: ACMG Guidelines, 2015. Collection method: clinical testing. Allele origin: germline.

Labcorp Genetics (formerly Invitae), Labcorp
Classification: Uncertain significance. Last evaluated: 2022-10-05. Review status: criteria provided, single submitter. Criteria: Invitae Variant Classification Sherloc (09022015). Collection method: clinical testing. Allele origin: germline.
Comment: This sequence change replaces alanine, which is neutral and non-polar, with threonine, which is neutral and polar, at codon 34 of the ERCC2 protein (p.Ala34Thr). This variant is present in population databases (rs768632615, gnomAD 0.003%). This variant has not been reported in the literature in individuals affected with ERCC2-related conditions. ClinVar contains an entry for this variant (Variation ID: 1394100). Advanced modeling of protein sequence and biophysical properties (such as structural, functional, and spatial information, amino acid conservation, physicochemical variation, residue mobility, and thermodynamic stability) has been performed at Invitae for this missense variant, however the output from this modeling did not meet the statistical confidence thresholds required to predict the impact of this variant on ERCC2 protein function. In summary, the available evidence is currently insufficient to determine the role of this variant in disease. Therefore, it has been classified as a Variant of Uncertain Significance.

Fulgent Genetics
Classification: Uncertain significance for Xeroderma pigmentosum, group D; Trichothiodystrophy 1, photosensitive; Cerebrooculofacioskeletal syndrome 2. Last evaluated: 2021-09-01. Review status: criteria provided, single submitter. Criteria: ACMG Guidelines, 2015. Collection method: clinical testing. Allele origin: unknown.

NM_000400.4(ERCC2):c.100G>A (p.Ala34Thr)

Gene: ERCC2 (ERCC excision repair 2, TFIIH core complex helicase subunit; minus strand). Cytogenetic location: 19q13.32.
Variant type: single nucleotide variant.
Coding change: c.100G>A on transcript NM_000400.4 (MANE Select); coding-DNA position 100, G replaced by A.
Protein change: p.Ala34Thr; replaces alanine 34 with threonine.
Molecular consequence: missense variant.
Genome position (GRCh38, 1-based): chr19:45,370,138, C>T on the plus strand (G>A on the coding strand, the complement: ERCC2 is on the minus strand). VCF-style: chr19-45370138-C-T. GRCh37 (hg19) VCF-style: chr19-45873396-C-T.
Other names: c.28G>A, p.Ala10Thr (NM_001130867.2); c.100G>A (NM_000400.3); short protein forms A10T, A34T.
Identifiers: ClinVar variation 1394100 (VCV001394100.5), dbSNP rs768632615, ClinGen allele CA9513934.
Genomic context (GRCh38, chr19:45,370,138, plus strand): 5'-CAGGCGTGGCAGCCCCACCGGTCGAGTGGGCGGGTCGGGCCCACCGGCCACCCACCTTGG[C>T]GTCCAGCGTGCGTTTGAGCTCCCGCATGTAGGAGAACTGCTCGGGGTAGATGTAGTCGTA-3'
Protein context (NP_000391.1, residues 24-44): YMRELKRTLD[Ala34Thr]KGHGVLEMPS